The following is an entry in ClinVar:

ClinVar aggregate classification (germline): Uncertain significance (1 of 4 stars; one submission).

Conditions:
Cardiovascular phenotype. Identifiers: MedGen CN230736.

Submission:

Ambry Genetics
Classification: Uncertain significance for Cardiovascular phenotype. Last evaluated: 2020-04-23. Review status: criteria provided, single submitter. Criteria: Ambry Variant Classification Scheme 2023. Collection method: clinical testing. Allele origin: germline.
Comment: The p.K11316R variant (also known as c.33947A>G), located in coding exon 131 of the TTN gene, results from an A to G substitution at nucleotide position 33947. The lysine at codon 11316 is replaced by arginine, an amino acid with highly similar properties. This amino acid position is well conserved in available vertebrate species; however, arginine is the reference amino acid in other vertebrate species. In addition, this alteration is predicted to be tolerated by in silico analysis. Since supporting evidence is limited at this time, the clinical significance of this alteration remains unclear.

NM_001267550.2(TTN):c.61142A>G (p.Lys20381Arg)

Genes: TTN (titin; minus strand), TTN-AS1 (TTN antisense RNA 1; plus strand). Cytogenetic location: 2q31.2.
Variant type: single nucleotide variant.
Coding change: c.61142A>G on transcript NM_001267550.2 (MANE Select); coding-DNA position 61142, A replaced by G.
Protein change: p.Lys20381Arg; replaces lysine 20381 with arginine.
Molecular consequence: missense variant.
Genome position (GRCh38, 1-based): chr2:178,590,583, T>C on the plus strand (A>G on the coding strand, the complement: TTN is on the minus strand). VCF-style: chr2-178590583-T-C. GRCh37 (hg19) VCF-style: chr2-179455310-T-C.
Other names: c.56219A>G, p.Lys18740Arg (NM_001256850.1); c.33947A>G, p.Lys11316Arg (NM_003319.4); c.53438A>G, p.Lys17813Arg (NM_133378.4); c.34322A>G, p.Lys11441Arg (NM_133432.3); c.34523A>G, p.Lys11508Arg (NM_133437.4); short protein forms K11316R, K20381R, K17813R, K11441R, K11508R, K18740R.
Identifiers: ClinVar variation 264246 (VCV000264246.5), dbSNP rs886039098, ClinGen allele CA10587489.